The following is an entry in ClinVar:

ClinVar aggregate classification (germline): Uncertain significance (1 of 4 stars; one submission).

Conditions:
Inborn genetic diseases. Identifiers: MedGen C0950123, MeSH D030342.

gnomAD v4.1: 1 of 1,608,848 alleles (0.000062%); no homozygotes.

Submission:

Ambry Genetics
Classification: Uncertain significance for Inborn genetic diseases. Last evaluated: 2026-06-24. Review status: criteria provided, single submitter. Criteria: Ambry Variant Classification Scheme 2023. Collection method: clinical testing. Allele origin: germline.
Comment: The c.861-1G>C intronic alteration consists of a G to C substitution one nucleotide before exon 7 (coding exon 6) of the SLC1A3 gene. Variants that disrupt the canonical splice site are expected to cause aberrant splicing, resulting in an abnormal protein or a transcript that is subject to nonsense-mediated mRNA decay. However, loss of function of SLC1A3 has not been established as a mechanism of disease. This variant was not reported in population-based cohorts in the Genome Aggregation Database (gnomAD). This nucleotide position is highly conserved in available vertebrate species. In silico splice site analysis predicts that this alteration will weaken the native splice acceptor site and may result in the creation or strengthening of a novel splice acceptor site. Based on insufficient or conflicting evidence, the clinical significance of this alteration remains unclear.

NM_004172.5(SLC1A3):c.861-1G>C

Genes: SLC1A3 (solute carrier family 1 member 3; plus strand), SLC1A3-AS1 (SLC1A3 antisense RNA 1; minus strand). Cytogenetic location: 5p13.2.
Variant type: single nucleotide variant.
Coding change: c.861-1G>C on transcript NM_004172.5 (MANE Select); the canonical splice acceptor site of the intron before coding-DNA position 861, G replaced by C.
Molecular consequence: splice acceptor variant.
Genome position (GRCh38, 1-based): chr5:36,679,626, G>C. VCF-style: chr5-36679626-G-C. GRCh37 (hg19) VCF-style: chr5-36679728-G-C.
Other names: c.861-1G>C (NM_001438455.1, NM_001438456.1, NM_001438454.1 and 3 more transcripts); c.579-1G>C (NM_001438460.1); c.561-1G>C (NM_001438461.1); c.540-1G>C (NM_001438462.1); c.1002-1G>C (NM_001438458.1); c.525-1G>C (NM_001289940.2); c.723-1G>C (NM_001289939.2).
Identifiers: ClinVar variation 5029602 (VCV005029602.1).